The following is an entry in ClinVar:

ClinVar aggregate classification (germline): Uncertain significance (1 of 4 stars; one submission).

Submission:

Dasa
Classification: Uncertain significance. Last evaluated: 2025-07-23. Review status: criteria provided, single submitter. Criteria: DASA Assertion Criteria. Collection method: clinical testing. Allele origin: germline.
Comment: NM_012183.3(FOXD3):c.1061C>T (p.Ala354Val) is a missense variant that results in the substitution of alanine with valine. This variant is rare in population databases. The currently available literature and clinical evidence are not sufficient to establish a definitive association between this variant and the reported condition. Therefore, this variant is classified as a variant of uncertain significance.

NM_012183.3(FOXD3):c.1061C>T (p.Ala354Val)

Genes: FOXD3 (forkhead box D3; plus strand), FOXD3-AS1 (FOXD3 antisense RNA 1; minus strand). Cytogenetic location: 1p31.3.
Variant type: single nucleotide variant.
Coding change: c.1061C>T on transcript NM_012183.3 (MANE Select); coding-DNA position 1061, C replaced by T.
Protein change: p.Ala354Val; replaces alanine 354 with valine.
Molecular consequence: missense variant.
Genome position (GRCh38, 1-based): chr1:63,324,119, C>T. VCF-style: chr1-63324119-C-T. GRCh37 (hg19) VCF-style: chr1-63789790-C-T.
Other names: short protein forms A354V.
Identifiers: ClinVar variation 4881743 (VCV004881743.2).